The following is an entry in ClinVar:

NM_001130021.3(ATP6V0A1):c.1160G>A (p.Arg387Gln)

Gene: ATP6V0A1 (ATPase H+ transporting V0 subunit a1; plus strand). Cytogenetic location: 17q21.2.
Variant type: single nucleotide variant.
Coding change: c.1160G>A on transcript NM_001130021.3 (MANE Select); coding-DNA position 1160, G replaced by A.
Protein change: p.Arg387Gln; replaces arginine 387 with glutamine.
Molecular consequence: missense variant.
Genome position (GRCh38, 1-based): chr17:42,490,623, G>A. VCF-style: chr17-42490623-G-A. GRCh37 (hg19) VCF-style: chr17-40642641-G-A.
Other names: c.1181G>A, p.Arg394Gln (NM_001130020.3, NM_001378522.1, NM_001378523.1 and 3 more transcripts); c.1283G>A, p.Arg428Gln (NM_001378530.1, NM_001378533.1, NM_001378551.1 and 1 more transcripts); c.1304G>A, p.Arg435Gln (NM_001378531.1, NM_001378532.1); c.1160G>A, p.Arg387Gln (NM_001378535.1, NM_001378537.1, NM_001378542.1 and 4 more transcripts); c.1052G>A, p.Arg351Gln (NM_001378536.1, NM_001378550.1, NM_001378556.1); c.1031G>A, p.Arg344Gln (NM_001378538.1, NM_001378540.1); c.1001G>A, p.Arg334Gln (NM_001378543.1); c.950G>A, p.Arg317Gln (NM_001378545.1, NM_001378554.1); and 3 more; short protein forms R316Q, R317Q, R327Q, R334Q, R344Q, R351Q, R387Q, R394Q.
Identifiers: ClinVar variation 3393328 (VCV003393328.3).

ClinVar aggregate classification (germline): Uncertain significance. Review status: criteria provided, multiple submitters, no conflicts (2 of 4 stars). 2 submissions from 2 submitters: Uncertain significance (2). Last evaluated 2025-03-23.

Conditions:
Neurodevelopmental disorder with epilepsy and brain atrophy (NEDEBA). Identifiers: MedGen C5774184, MONDO:0859265, OMIM 619971.
Developmental and epileptic encephalopathy 104 (DEE104). Identifiers: MedGen C5774183, MONDO:0031021, OMIM 619970.

gnomAD v4.1: 10 of 1,593,932 alleles (0.00063%); highest among the groups gnomAD compares: East Asian, 0.0022%; no homozygotes.

Submissions (2):

GeneDx
Classification: Uncertain significance. Last evaluated: 2025-03-23. Review status: criteria provided, single submitter. Criteria: GeneDx Variant Classification Process June 2021. Collection method: clinical testing. Allele origin: germline. Affected: yes.
Comment: Not observed at significant frequency in large population cohorts (gnomAD); In silico analysis supports that this missense variant has a deleterious effect on protein structure/function; Has not been previously published as pathogenic or benign to our knowledge

Institute of Human Genetics, University of Goettingen
Classification: Uncertain significance for Developmental and epileptic encephalopathy 104; Neurodevelopmental disorder with epilepsy and brain atrophy. Last evaluated: 2024-10-22. Review status: criteria provided, single submitter. Criteria: ACMG Guidelines, 2015. Collection method: clinical testing. Allele origin: unknown. Observed: 1 heterozygote.
Comment: The variant c.1181G>A (p.(Arg394Gln)) in exon 11 of the ATP6V0A1-gene is not found in the gnomAD database, it affects a highly conserved nucleotide and a highly conserved amino acid. There is a small physicochemical difference between Arg and Gln. Missense variants are a known mechanism of disease based on Z-score of 4.44 (gnomAD v4.1.0). ACMG criteria used for classification: PM2_sup, PP2.